The following is an entry in ClinVar:

NM_001252024.2(TRPM1):c.1597C>T (p.His533Tyr)

Gene: TRPM1 (transient receptor potential cation channel subfamily M member 1; minus strand). Cytogenetic location: 15q13.3.
Variant type: single nucleotide variant.
Coding change: c.1597C>T on transcript NM_001252024.2 (MANE Select); coding-DNA position 1597, C replaced by T.
Protein change: p.His533Tyr; replaces histidine 533 with tyrosine.
Molecular consequence: missense variant.
Genome position (GRCh38, 1-based): chr15:31,047,915, G>A on the plus strand (C>T on the coding strand, the complement: TRPM1 is on the minus strand). VCF-style: chr15-31047915-G-A. GRCh37 (hg19) VCF-style: chr15-31340118-G-A.
Other names: c.1648C>T, p.His550Tyr (NM_001252020.2); c.1531C>T, p.His511Tyr (NM_002420.6); short protein forms H533Y, H550Y, H511Y.
Identifiers: ClinVar variation 1366689 (VCV001366689.8), dbSNP rs2140937475, ClinGen allele CA391515827.

ClinVar aggregate classification (germline): Uncertain significance (1 of 4 stars; one submission).

Allele frequency attached by ClinVar (database versions not stated): gnomAD exomes below 0.00001.
gnomAD v4.1: 1 of 1,613,922 alleles (0.000062%); highest among the groups gnomAD compares: Non-Finnish European, 0.000085%; no homozygotes.

Submission:

Labcorp Genetics (formerly Invitae), Labcorp
Classification: Uncertain significance. Last evaluated: 2021-07-11. Review status: criteria provided, single submitter. Criteria: Invitae Variant Classification Sherloc (09022015). Collection method: clinical testing. Allele origin: germline.
Comment: This variant has not been reported in the literature in individuals affected with TRPM1-related conditions. This sequence change replaces histidine with tyrosine at codon 511 of the TRPM1 protein (p.His511Tyr). The histidine residue is highly conserved and there is a moderate physicochemical difference between histidine and tyrosine. This variant is not present in population databases (ExAC no frequency). Algorithms developed to predict the effect of missense changes on protein structure and function are either unavailable or do not agree on the potential impact of this missense change (SIFT: "Tolerated"; PolyPhen-2: "Possibly Damaging"; Align-GVGD: "Class C0"). In summary, the available evidence is currently insufficient to determine the role of this variant in disease. Therefore, it has been classified as a Variant of Uncertain Significance.